The following is an entry in ClinVar:

ClinVar aggregate classification (germline): Pathogenic. Review status: criteria provided, multiple submitters, no conflicts (2 of 4 stars). 2 submissions from 2 submitters: Pathogenic (2). Last evaluated 2024-05-14.

Conditions:
Polycystic kidney disease, adult type (PKD1). Also called: Polycystic Kidney, Autosomal Dominant; POLYCYSTIC KIDNEY DISEASE 1 WITH OR WITHOUT POLYCYSTIC LIVER DISEASE; POLYCYSTIC KIDNEY DISEASE, ADULT, TYPE I; Polycystic Kidney Disease 1, Autosomal Dominant; Polycystic kidney disease 1; Polycystic kidney disease 1, severe. Identifiers: MedGen C3149841, MONDO:0008263, OMIM 173900.

Submissions (2):

Fulgent Genetics
Classification: Pathogenic for Polycystic kidney disease, adult type. Last evaluated: 2024-05-14. Review status: criteria provided, single submitter. Criteria: ACMG Guidelines, 2015. Collection method: clinical testing. Allele origin: germline.

GeneDx
Classification: Pathogenic. Last evaluated: 2023-10-17. Review status: criteria provided, single submitter. Criteria: GeneDx Variant Classification Process June 2021. Collection method: clinical testing. Allele origin: germline. Affected: yes.
Comment: Nonsense variant predicted to result in protein truncation or nonsense mediated decay in a gene for which loss of function is a known mechanism of disease; Not observed at significant frequency in large population cohorts (gnomAD); This variant is associated with the following publications: (PMID: 22508176)

NM_001009944.3(PKD1):c.9555G>A (p.Trp3185Ter)

Gene: PKD1 (polycystin 1, transient receptor potential channel interacting; minus strand). Cytogenetic location: 16p13.3.
Variant type: single nucleotide variant.
Coding change: c.9555G>A on transcript NM_001009944.3 (MANE Select); coding-DNA position 9555, G replaced by A.
Protein change: p.Trp3185Ter; replaces tryptophan 3185 with a stop codon.
Molecular consequence: nonsense.
Genome position (GRCh38, 1-based): chr16:2,100,409, C>T on the plus strand (G>A on the coding strand, the complement: PKD1 is on the minus strand). VCF-style: chr16-2100409-C-T. GRCh37 (hg19) VCF-style: chr16-2150410-C-T.
Other names: c.9555G>A, p.Trp3185Ter (NM_000296.4); short protein forms W3185*.
Identifiers: ClinVar variation 3338783 (VCV003338783.2).